The following is an entry in ClinVar:

ClinVar aggregate classification (germline): Uncertain significance (1 of 4 stars; one submission).

Conditions:
X-linked myopathy with postural muscle atrophy. Also called: FHL1-Related Emery-Dreifuss Muscular Dystrophy, X-Linked. Identifiers: Orphanet 178461, MedGen C2678055, MONDO:0010401, OMIM 300696.

Submission:

Labcorp Genetics (formerly Invitae), Labcorp
Classification: Uncertain significance for X-linked myopathy with postural muscle atrophy. Last evaluated: 2022-07-21. Review status: criteria provided, single submitter. Criteria: Invitae Variant Classification Sherloc (09022015). Collection method: clinical testing. Allele origin: germline.
Comment: In summary, the available evidence is currently insufficient to determine the role of this variant in disease. Therefore, it has been classified as a Variant of Uncertain Significance. Variants that disrupt the consensus splice site are a relatively common cause of aberrant splicing (PMID: 17576681, 9536098). Algorithms developed to predict the effect of sequence changes on RNA splicing suggest that this variant may disrupt the consensus splice site. This variant has not been reported in the literature in individuals affected with FHL1-related conditions. This variant is not present in population databases (gnomAD no frequency). This sequence change falls in intron 6 of the FHL1 gene. It does not directly change the encoded amino acid sequence of the FHL1 protein. It affects a nucleotide within the consensus splice site.

Literature cited by the submitters: PubMed 17576681; PubMed 9536098.

NM_001159699.2(FHL1):c.736+3_736+4del

Gene: FHL1 (four and a half LIM domains 1; plus strand). Cytogenetic location: Xq26.3.
Variant type: Deletion.
Coding change: c.736+3_736+4del on transcript NM_001159699.2 (MANE Select); bases 3 to 4 of the intron after coding-DNA position 736, 2 bases deleted (AG; older notation c.736+3_736+4delAG).
Molecular consequence: intron variant.
Genome position (GRCh38, 1-based): chrX:136,208,644-136,208,645, AG deleted. VCF-style (leftmost placement, unchanged base first): chrX-136208643-TAG-T. GRCh37 (hg19) VCF-style: chrX-135290802-TAG-T.
Other names: c.688+3_688+4del (NM_001159702.3, NM_001449.5, NM_001369326.1 and 8 more transcripts); c.501+683_501+684del (NM_001159703.2); c.775+3_775+4del (NM_001159701.2); c.549+683_549+684del (NM_001330659.2).
Identifiers: ClinVar variation 2018762 (VCV002018762.4), dbSNP rs2521304886, ClinGen allele CA2580101585.